The following continues an entry in ClinVar:

NM_000441.2(SLC26A4):c.-103T>C

ClinVar aggregate classification (germline): Uncertain significance. Uncertain significance (1).

Submissions 11 to 16 of 16:

Laboratory for Molecular Medicine, Mass General Brigham Personalized Medicine
Classification: Uncertain significance. Last evaluated: 2019-02-26. Review status: criteria provided, single submitter. Criteria: LMM Criteria. Collection method: clinical testing. Allele origin: germline. Observed: 8 variant alleles. Not counted in ClinVar's aggregate classification.
Comment: The c.-103T>C variant in SLC26A4 has been reported in >20 individuals with either hearing loss or hearing loss with enlarged vestibular aqueducts (EVA; Yang 2007, Yang 2009, Choi 2009, Landa 2013, Schrauwen 2013, Tang 2015, Baux 2017, Carvalho 2018, LMM data). However, only 2 of these individuals harbored a second pathogenic variant in SLC26A4, including one individual with hearing loss and EVA who carried a pathogenic p.Leu236Pro variant in trans (Choi 2009) and one individual with hearing loss and Mondini malformation who carried a pathogenic p.Thr416Pro variant (phasing not reported; Tang 2015). Furthermore, at least 3 probands had alternate genetic etiologies for their hearing loss (LMM data, Baux 2017). This variant has also been identified in 0.34% (52/15424; 0.26% using the lower threshold of 95% confidence interval) of European chromosomes by gnomAD. This frequency is higher than expected for pathogenic variation in SLC26A4. Finally, the c.-103T>C variant falls within the 5' untranslated region (UTR) of the SLC26A4 gene, and functional studies have produced conflicting results regarding its impact on protein expression or function (Alder 2008 vs Yang 2007, Yang 2009). In summary, due to the conflicting functional evidence, the lack of biallelic affected individuals, and a similar frequency amongst cases (0.3%, 23/6678 chromosomes) and the general population (0.3% European chromosomes in gnomAD), the clinical significance of the c.-103T>C variant is uncertain. ACMG/AMP criteria applied: BS1_Supporting, PM3, PP4, PS3_Supporting.

OMIM
Classification: Pathogenic for PENDRED SYNDROME. Last evaluated: 2007-06-01. Review status: no assertion criteria provided. Collection method: literature only. Allele origin: germline. Not counted in ClinVar's aggregate classification.

OMIM
Classification: Pathogenic for DEAFNESS, AUTOSOMAL RECESSIVE 4, WITH ENLARGED VESTIBULAR AQUEDUCT. Last evaluated: 2007-06-01. Review status: no assertion criteria provided. Collection method: literature only. Allele origin: germline. Not counted in ClinVar's aggregate classification.

Clinical Genetics DNA and cytogenetics Diagnostics Lab, Erasmus MC, Erasmus Medical Center
Classification: Uncertain significance. Review status: no assertion criteria provided. Collection method: clinical testing. Allele origin: germline. Affected: yes. Study: VKGL Data-share Consensus. Not counted in ClinVar's aggregate classification.

Department of Pathology and Laboratory Medicine, Sinai Health System
Classification: Uncertain significance. Review status: no assertion criteria provided. Collection method: clinical testing. Allele origin: unknown. Affected: yes. Study: The Canadian Open Genetics Repository (COGR). Not counted in ClinVar's aggregate classification.
Comment: The SLC26A4 c.103T>C variant was identified as a heterozygous variant in 14 of 674 individuals (frequency: 0.01) with autosomal recessive Pendred syndrome or nonsyndromic hearing loss associated with enlarged vestibular aqueduct (EVA); a second pathogenic variant was only identified in 3 of these cases (Carvalho_2018_PMID:30068397, Yang_2007_PMID:17503324, Choi_2009_PMID:19204907, Tang_2015_PMID:2599145). Functional analysis shows that this variant diminishes FOXI1 transactivation of SLC26A4 compared to wildtype (Yang_2007_PMID:17503324). The variant was identified in dbSNP (ID: rs60284988), LOVD 3.0 and ClinVar (classified as uncertain significance by the ClinGen Hearing Loss Variant Curation Expert Panel, Counsyl, Laboratory for Molecular Medicine and Illumina, and as likely pathogenic by GeneDx). The variant was identified in control databases in 66 of 31390 chromosomes at a frequency of 0.002103 (Genome Aggregation Database March 6, 2019, v2.1.1). The variant was observed in the following populations: Other in 6 of 1086 chromosomes (freq: 0.005525), Ashkenazi Jewish in 1 of 290 chromosomes (freq: 0.003448), European (non-Finnish) in 52 of 15424 chromosomes (freq: 0.003371), European (Finnish) in 4 of 3476 chromosomes (freq: 0.001151) and African in 3 of 8708 chromosomes (freq: 0.000345), but was not observed in the Latino, East Asian, or South Asian populations. The variant occurs outside of the splicing consensus sequence and in silico or computational prediction software programs (SpliceSiteFinder, MaxEntScan, NNSPLICE, GeneSplicer) do not predict a difference in splicing. In summary, based on the above information the clinical significance of this variant cannot be determined with certainty at this timet. This variant is classified as a variant of uncertain significance.

Joint Genome Diagnostic Labs from Nijmegen and Maastricht, Radboudumc and MUMC+
Classification: Uncertain significance. Review status: no assertion criteria provided. Collection method: clinical testing. Allele origin: germline. Affected: yes. Study: VKGL Data-share Consensus. Not counted in ClinVar's aggregate classification.

Literature cited by the submitters: PubMed 25910213 (cited by 3 submitters); PubMed 17503324 (cited by 4 submitters); PubMed 19204907 (cited by 3 submitters); PubMed 23208854 (cited by 4 submitters); PubMed 23965030 (cited by 3 submitters); PubMed 25991456 (cited by 3 submitters); PubMed 23555729 (cited by Myriad Genetics, Inc.); PubMed 30068397 (cited by Myriad Genetics, Inc. and Laboratory for Molecular Medicine, Mass General Brigham Personalized Medicine); PubMed 31633822 (cited by Myriad Genetics, Inc.); PubMed 21045265 (cited by Laboratory for Molecular Medicine, Mass General Brigham Personalized Medicine); PubMed 29196752 (cited by Laboratory for Molecular Medicine, Mass General Brigham Personalized Medicine); PubMed 18322141 (cited by Laboratory for Molecular Medicine, Mass General Brigham Personalized Medicine); PubMed 19787632 (cited by Laboratory for Molecular Medicine, Mass General Brigham Personalized Medicine).